The following is an entry in ClinVar:

ClinVar aggregate classification (germline): Uncertain significance (1 of 4 stars; one submission).

Allele frequency attached by ClinVar (database versions not stated): gnomAD exomes below 0.00001.
gnomAD v4.1: 1 of 1,614,214 alleles (0.000062%); highest among the groups gnomAD compares: Non-Finnish European, 0.000085%; no homozygotes.

Submission:

Laboratory for Molecular Medicine, Mass General Brigham Personalized Medicine
Classification: Uncertain significance. Last evaluated: 2017-11-22. Review status: criteria provided, single submitter. Criteria: LMM Criteria. Collection method: clinical testing. Allele origin: germline. Observed: 1 variant allele.
Comment: The p.Asp125Asn variant in BCS1L has not been previously reported in individuals with hearing loss or in large population studies. Computational prediction tool s and conservation analysis do not provide strong support for or against an impa ct to the protein. In summary, the clinical significance of the p.Asp125Asn vari ant is uncertain. ACMG/AMP Criteria applied: PM2.

NM_001079866.2(BCS1L):c.373G>A (p.Asp125Asn)

Gene: BCS1L (BCS1 homolog, ubiquinol-cytochrome c reductase complex chaperone; plus strand). Cytogenetic location: 2q35.
Variant type: single nucleotide variant.
Coding change: c.373G>A on transcript NM_001079866.2 (MANE Select); coding-DNA position 373, G replaced by A.
Protein change: p.Asp125Asn; replaces aspartic acid 125 with asparagine.
Molecular consequence: missense variant. On other transcripts: 5 prime UTR variant (5), non-coding transcript variant (1), intron variant (1).
Genome position (GRCh38, 1-based): chr2:218,661,458, G>A. VCF-style: chr2-218661458-G-A. GRCh37 (hg19) VCF-style: chr2-219526181-G-A.
Other names: c.373G>A, p.Asp125Asn (NM_001257342.2, NM_001257343.2, NM_001257344.2 and 10 more transcripts); c.13G>A, p.Asp5Asn (NM_001318836.2, NM_001371451.1); c.-104G>A (NM_001371453.1, NM_001371454.1, NM_001371455.1 and 2 more transcripts); c.-41-301G>A (NM_001371452.1); short protein forms D125N, D5N.
Identifiers: ClinVar variation 506226 (VCV000506226.4), dbSNP rs1553596645, ClinGen allele CA350626441.